The following is an entry in ClinVar:

ClinVar aggregate classification (germline): Uncertain significance (1 of 4 stars; one submission).

Conditions:
X-linked myopathy with postural muscle atrophy. Also called: FHL1-Related Emery-Dreifuss Muscular Dystrophy, X-Linked. Identifiers: Orphanet 178461, MedGen C2678055, MONDO:0010401, OMIM 300696.

Submission:

Labcorp Genetics (formerly Invitae), Labcorp
Classification: Uncertain significance for X-linked myopathy with postural muscle atrophy. Last evaluated: 2022-10-24. Review status: criteria provided, single submitter. Criteria: Invitae Variant Classification Sherloc (09022015). Collection method: clinical testing. Allele origin: germline.
Comment: A copy number gain of the genomic region encompassing the full coding sequence of the FHL1 gene has been identified. The boundaries of this event are unknown as they extend beyond the assayed region for this gene and therefore may encompass additional genes. As the precise location of this event is unknown, it may be in tandem or it may be located elsewhere in the genome. This variant has not been reported in the literature in individuals affected with FHL1-related conditions. In summary, the available evidence is currently insufficient to determine the role of this variant in disease. Therefore, it has been classified as a Variant of Uncertain Significance.

NC_000023.10:g.(?_135288556)_(135293528_?)dup

Gene: FHL1 (four and a half LIM domains 1; plus strand). Cytogenetic location: Xq26.3.
Variant type: Duplication.
Identifiers: ClinVar variation 644267 (VCV000644267.3).